The following is an entry in ClinVar:

ClinVar aggregate classification (germline): Uncertain significance (1 of 4 stars; one submission).

Submission:

GeneDx
Classification: Uncertain significance. Last evaluated: 2023-12-03. Review status: criteria provided, single submitter. Criteria: GeneDx Variant Classification Process June 2021. Collection method: clinical testing. Allele origin: germline. Affected: yes.
Comment: Not observed at significant frequency in large population cohorts (gnomAD); In silico analysis supports that this missense variant has a deleterious effect on protein structure/function; Has not been previously published as pathogenic or benign to our knowledge

NM_000188.3(HK1):c.230A>C (p.Lys77Thr)

Gene: HK1 (hexokinase 1; plus strand). Cytogenetic location: 10q22.1.
Variant type: single nucleotide variant.
Coding change: c.230A>C on transcript NM_000188.3 (MANE Select); coding-DNA position 230, A replaced by C.
Protein change: p.Lys77Thr; replaces lysine 77 with threonine.
Molecular consequence: missense variant.
Genome position (GRCh38, 1-based): chr10:69,359,900, A>C. VCF-style: chr10-69359900-A-C. GRCh37 (hg19) VCF-style: chr10-71119656-A-C.
Other names: c.242A>C, p.Lys81Thr (NM_001322364.2, NM_001358263.1, NM_033497.3 and 1 more transcripts); c.335A>C, p.Lys112Thr (NM_001322365.2); c.146A>C, p.Lys49Thr (NM_001322366.1); c.230A>C, p.Lys77Thr (NM_001322367.1); c.227A>C, p.Lys76Thr (NM_033496.3); c.194A>C, p.Lys65Thr (NM_033500.2); short protein forms K112T, K49T, K65T, K76T, K77T, K81T.
Identifiers: ClinVar variation 3365097 (VCV003365097.1).